The following is an entry in ClinVar:

NM_006329.4(FBLN5):c.1134T>G (p.Tyr378Ter)

Gene: FBLN5 (fibulin 5; minus strand). Cytogenetic location: 14q32.12.
Variant type: single nucleotide variant.
Coding change: c.1134T>G on transcript NM_006329.4 (MANE Select); coding-DNA position 1134, T replaced by G.
Protein change: p.Tyr378Ter; replaces tyrosine 378 with a stop codon.
Molecular consequence: nonsense.
Genome position (GRCh38, 1-based): chr14:91,877,538, A>C on the plus strand (T>G on the coding strand, the complement: FBLN5 is on the minus strand). VCF-style: chr14-91877538-A-C. GRCh37 (hg19) VCF-style: chr14-92343882-A-C.
Other names: c.1257T>G, p.Tyr419Ter (NM_001384158.1); c.1185T>G, p.Tyr395Ter (NM_001384159.1); c.1134T>G, p.Tyr378Ter (NM_001384160.1); c.966T>G, p.Tyr322Ter (NM_001384161.1, NM_001384162.1); short protein forms Y322*, Y378*, Y395*, Y419*.
Identifiers: ClinVar variation 995864 (VCV000995864.5), dbSNP rs746506432, ClinGen allele CA390640535.

ClinVar aggregate classification (germline): Pathogenic (1 of 4 stars; one submission).

Conditions:
Cutis laxa, autosomal recessive, type 1A (ARCL1A). Also called: Autosomal recessive cutis laxa type IA. Identifiers: Orphanet 90349, MedGen C5848058, MONDO:0009052, OMIM 219100.

Submission:

Diagnostics Services (NGS), CSIR - Centre For Cellular And Molecular Biology
Classification: Pathogenic for Cutis laxa, autosomal recessive, type 1A. Last evaluated: 2020-12-30. Review status: criteria provided, single submitter. Criteria: ACMG Guidelines, 2015. Collection method: clinical testing. Allele origin: germline. Inheritance: Autosomal recessive inheritance. Affected: yes. Observed: 1 variant allele, 1 homozygote.
Comment: The c. 1134T>G variant is absent in publicly available population databases like 1000 Genomes, Exome Aggregation Consortium (ExAC) and Genome Aggregation Database (gnomAD). The variant is not present in our in-house exome database. In-silico pathogenicity prediction programs predict the variant to be deleterious. The variant has been classified as pathogenic as per the ACMG guidelines.